The following is an entry in ClinVar:

NM_004341.5(CAD):c.3143G>A (p.Arg1048His)

Gene: CAD (carbamoyl-phosphate synthetase 2, aspartate transcarbamylase, and dihydroorotase; plus strand). Cytogenetic location: 2p23.3.
Variant type: single nucleotide variant.
Coding change: c.3143G>A on transcript NM_004341.5 (MANE Select); coding-DNA position 3143, G replaced by A.
Protein change: p.Arg1048His; replaces arginine 1048 with histidine.
Molecular consequence: missense variant.
Genome position (GRCh38, 1-based): chr2:27,233,463, G>A. VCF-style: chr2-27233463-G-A. GRCh37 (hg19) VCF-style: chr2-27456331-G-A.
Other names: c.2954G>A, p.Arg985His (NM_001306079.2); short protein forms R985H, R1048H.
Identifiers: ClinVar variation 1952286 (VCV001952286.5), dbSNP rs2465330272, ClinGen allele CA346213780.

ClinVar aggregate classification (germline): Uncertain significance (1 of 4 stars; one submission).

Submission:

Labcorp Genetics (formerly Invitae), Labcorp
Classification: Uncertain significance. Last evaluated: 2022-02-11. Review status: criteria provided, single submitter. Criteria: Invitae Variant Classification Sherloc (09022015). Collection method: clinical testing. Allele origin: germline.
Comment: In summary, the available evidence is currently insufficient to determine the role of this variant in disease. Therefore, it has been classified as a Variant of Uncertain Significance. Algorithms developed to predict the effect of missense changes on protein structure and function (SIFT, PolyPhen-2, Align-GVGD) all suggest that this variant is likely to be disruptive. This variant has not been reported in the literature in individuals affected with CAD-related conditions. This variant is not present in population databases (gnomAD no frequency). This sequence change replaces arginine, which is basic and polar, with histidine, which is basic and polar, at codon 1048 of the CAD protein (p.Arg1048His).